The following is an entry in ClinVar:

NM_006828.4(ASCC3):c.4833C>T (p.Thr1611=)

Gene: ASCC3 (activating signal cointegrator 1 complex subunit 3; minus strand). Cytogenetic location: 6q16.3.
Variant type: single nucleotide variant.
Coding change: c.4833C>T on transcript NM_006828.4 (MANE Select); coding-DNA position 4833, C replaced by T.
Protein change: p.Thr1611=; no amino-acid change (threonine 1611 retained).
Molecular consequence: synonymous variant.
Genome position (GRCh38, 1-based): chr6:100,607,041, G>A on the plus strand (C>T on the coding strand, the complement: ASCC3 is on the minus strand). VCF-style: chr6-100607041-G-A. GRCh37 (hg19) VCF-style: chr6-101054917-G-A.
Identifiers: ClinVar variation 2656784 (VCV002656784.24), dbSNP rs747185552, ClinGen allele CA3937949.
Genomic context (GRCh38, chr6:100,607,041, plus strand): 5'-TACTGTTTTTCGGTCCCTCTCATGTAGTCCAGCATGATGCATTCCTATCCCGAAAGCAAG[G>A]GTCAGCTTGAGGTTGGAATCTCTTACTGTTGCAATGATGTTCTCCATCTGCAAGTAAAAA-3'
Protein context (NP_006819.2, residues 1601-1621): ATVRDSNLKL[Thr1611=]LAFGIGMHHA

ClinVar aggregate classification (germline): Likely benign (1 of 4 stars; one submission).

Allele frequency attached by ClinVar (database versions not stated): gnomAD exomes 0.00001; ExAC 0.00002; gnomAD 0.00002.
gnomAD v4.1: 25 of 1,613,420 alleles (0.0015%); highest among the groups gnomAD compares: Non-Finnish European, 0.0017%; no homozygotes.

Submission:

CeGaT Center for Human Genetics Tuebingen
Classification: Likely benign. Last evaluated: 2023-03-01. Review status: criteria provided, single submitter. Criteria: CeGaT Center For Human Genetics Tuebingen Variant Classification Criteria Version 2. Collection method: clinical testing. Allele origin: germline. Affected: yes. Observed: 1 variant allele.
Comment: ASCC3: BP4, BP7